The following is an entry in ClinVar:

NM_032043.3(BRIP1):c.180delinsAGTTACAAAACAAAGCATGGCAACAATCTC (p.Leu61fs)

Gene: BRIP1 (BRCA1 interacting DNA helicase 1; minus strand). Cytogenetic location: 17q23.2.
Variant type: Indel.
Coding change: c.180delinsAGTTACAAAACAAAGCATGGCAACAATCTC on transcript NM_032043.3 (MANE Select); coding-DNA position 180, T replaced by AGTTACAAAACAAAGCATGGCAACAATCTC.
Protein change: p.Leu61fs; shifts the reading frame from leucine 61.
Molecular consequence: frameshift variant.
Genome position (GRCh38, 1-based): chr17:61,859,821, A replaced by GAGATTGTTGCCATGCTTTGTTTTGTAACT on the plus strand (T replaced by AGTTACAAAACAAAGCATGGCAACAATCTC on the coding strand, the reverse complement: BRIP1 is on the minus strand). VCF-style: chr17-61859821-A-GAGATTGTTGCCATGCTTTGTTTTGTAACT. GRCh37 (hg19) VCF-style: chr17-59937182-A-GAGATTGTTGCCATGCTTTGTTTTGTAACT.
Other names: short protein forms L61fs.
Identifiers: ClinVar variation 4823952 (VCV004823952.1).
Genomic context (GRCh38, chr17:61,859,821, plus strand): 5'-AGTAAGTAACCTGAAGATATCAAGCAACTACTTACCACTAAGAGATTGTTGCCATGCTAA[A>GAGATTGTTGCCATGCTTTGTTTTGTAACT]GCAGAACAAAGTAAGGCTAAGCTTTTTCCACTTCCTGTGGGACTCTCCAACAAACAATGT-3'

ClinVar aggregate classification (germline): Pathogenic (1 of 4 stars; one submission).

Conditions:
Hereditary cancer-predisposing syndrome. Also called: Neoplastic Syndromes, Hereditary; Hereditary neoplastic syndrome; Tumor predisposition; Hereditary Cancer Syndrome. Identifiers: Orphanet 140162, MedGen C0027672, MeSH D009386, MONDO:0015356.

Submission:

Ambry Genetics
Classification: Pathogenic for Hereditary cancer-predisposing syndrome. Last evaluated: 2026-03-02. Review status: criteria provided, single submitter. Criteria: Ambry Variant Classification Scheme 2023. Collection method: clinical testing. Allele origin: germline.
Comment: The c.180delTins30 variant, located in coding exon 2 of the BRIP1 gene, results from the deletion of one nucleotide and insertion of 30 nucleotides causing a translational frameshift with a predicted alternate stop codon (p.L61Vfs*11). This variant is considered to be rare based on population cohorts in the Genome Aggregation Database (gnomAD). This alteration is expected to result in loss of function by premature protein truncation or nonsense-mediated mRNA decay. As such, this alteration is interpreted as a disease-causing mutation.